The following is an entry in ClinVar:

ClinVar aggregate classification (germline): Uncertain significance (1 of 4 stars; one submission).

gnomAD v4.1: 4 of 1,613,794 alleles (0.00025%); highest among the groups gnomAD compares: Non-Finnish European, 0.00034%; no homozygotes.

Submission:

Labcorp Genetics (formerly Invitae), Labcorp
Classification: Uncertain significance. Last evaluated: 2022-09-03. Review status: criteria provided, single submitter. Criteria: Invitae Variant Classification Sherloc (09022015). Collection method: clinical testing. Allele origin: germline.
Comment: Algorithms developed to predict the effect of missense changes on protein structure and function are either unavailable or do not agree on the potential impact of this missense change (SIFT: "Tolerated"; PolyPhen-2: "Not Available"; Align-GVGD: "Class C0"). This variant has not been reported in the literature in individuals affected with FMN1-related conditions. This variant is not present in population databases (gnomAD no frequency). This sequence change replaces leucine, which is neutral and non-polar, with isoleucine, which is neutral and non-polar, at codon 408 of the FMN1 protein (p.Leu408Ile). In summary, the available evidence is currently insufficient to determine the role of this variant in disease. Therefore, it has been classified as a Variant of Uncertain Significance.

NM_001277313.2(FMN1):c.2044-1589C>A

Gene: FMN1 (formin 1; minus strand). Cytogenetic location: 15q13.3.
Variant type: single nucleotide variant.
Coding change: c.2044-1589C>A on transcript NM_001277313.2 (MANE Select); 1589 bases into the intron before coding-DNA position 2044, C replaced by A.
Molecular consequence: intron variant. On other transcripts: missense variant (1).
Genome position (GRCh38, 1-based): chr15:33,066,663, G>T on the plus strand (C>A on the coding strand, the complement: FMN1 is on the minus strand). VCF-style: chr15-33066663-G-T. GRCh37 (hg19) VCF-style: chr15-33358864-G-T.
Other names: c.1222C>A, p.Leu408Ile (NM_001103184.4); short protein forms L408I.
Identifiers: ClinVar variation 1904626 (VCV001904626.5), dbSNP rs2505230187, ClinGen allele CA391567811.
Genomic context (GRCh38, chr15:33,066,663, plus strand): 5'-TGAGAGCTTCCAGCTCAGAGGTGTCAGCTGTGGTCCCCTTTCTGGGGGGCCGGATGAATA[G>T]GGCTTTAAAAGCCTCCAGGGCTGTCTCTGGCGACTTTGGCTTGACCTCACCACCCTGGGT-3'